The following is an entry in ClinVar:

NM_182961.4(SYNE1):c.26212C>T (p.Arg8738Cys)

Genes: ESR1 (estrogen receptor 1; plus strand), SYNE1 (spectrin repeat containing nuclear envelope protein 1; minus strand). Cytogenetic location: 6q25.2.
Variant type: single nucleotide variant.
Coding change: c.26212C>T on transcript NM_182961.4 (MANE Select); coding-DNA position 26212, C replaced by T.
Protein change: p.Arg8738Cys; replaces arginine 8738 with cysteine.
Molecular consequence: missense variant. On other transcripts: 3 prime UTR variant (1), intron variant (1).
Genome position (GRCh38, 1-based): chr6:152,122,618, G>A on the plus strand (C>T on the coding strand, the complement: SYNE1 is on the minus strand). VCF-style: chr6-152122618-G-A. GRCh37 (hg19) VCF-style: chr6-152443753-G-A.
Other names: c.*23C>T (NM_001347701.2); c.2746C>T, p.Arg916Cys (NM_001347702.2); c.26068C>T, p.Arg8690Cys (NM_033071.5); c.851-2648G>A (NM_001328100.2); short protein forms R8690C, R8738C, R916C.
Identifiers: ClinVar variation 282665 (VCV000282665.90), dbSNP rs144206837, ClinGen allele CA4052604.
Genomic context (GRCh38, chr6:152,122,618, plus strand): 5'-GGAGGAGCAGGAGAAGCTGAAGGGGAAGAGCTGCTCGGAGGACTCTGAACAGGAAGCCGC[G>A]GCCGGACCGACCTGGCCCTGGCTCAGAAAGGGAGGAATCGGAGCCACCTTTTGTGGACCT-3'
Protein context (NP_892006.3, residues 8728-8748): LSEPGPGRSG[Arg8738Cys]GFLFRVLRAA

ClinVar aggregate classification (germline): Conflicting classifications of pathogenicity. Review status: criteria provided, conflicting classifications (1 of 4 stars). 6 submissions from 5 submitters: Uncertain significance (2); Benign (1); Likely benign (3). Last evaluated 2026-01-17.

Conditions:
Autosomal recessive ataxia, Beauce type. Also called: SYNE1-Related Autosomal Recessive Cerebellar Ataxia; Spinocerebellar ataxia, autosomal recessive 8; SYNE1 Deficiency; ATAXIA, RECESSIVE, OF BEAUCE. Identifiers: Orphanet 88644, MedGen C1853116, MONDO:0012549, OMIM 610743.
Emery-Dreifuss muscular dystrophy 4, autosomal dominant (EDMD4). Also called: EMERY-DREIFUSS MUSCULAR DYSTROPHY 4 WITH VARIABLE FEATURES. Identifiers: Orphanet 261, MedGen C2751807, MONDO:0013071, OMIM 612998.

Allele frequency attached by ClinVar (database versions not stated): 1000 Genomes Project 0.00020; TOPMed 0.00029; ExAC 0.00035; ESP Exome Variant Server 0.00046; 1000 Genomes Project 30x 0.00016; gnomAD 0.00029 and 0.00034; gnomAD exomes 0.00032.
gnomAD v4.1: 381 of 1,614,132 alleles (0.024%); highest among the groups gnomAD compares: Middle Eastern, 0.05%; 1 homozygote.

Submissions (6):

Labcorp Genetics (formerly Invitae), Labcorp
Classification: Likely benign for Emery-Dreifuss muscular dystrophy 4, autosomal dominant; Autosomal recessive ataxia, Beauce type. Last evaluated: 2026-01-17. Review status: criteria provided, single submitter. Criteria: Invitae Variant Classification Sherloc (09022015). Collection method: clinical testing. Allele origin: germline.

GeneDx
Classification: Uncertain significance. Last evaluated: 2025-08-19. Review status: criteria provided, single submitter. Criteria: GeneDx Variant Classification Process June 2021. Collection method: clinical testing. Allele origin: germline.
Comment: In silico analysis supports that this missense variant has a deleterious effect on protein structure/function; Has not been previously published as pathogenic or benign to our knowledge; This variant is associated with the following publications: (PMID: 40247433)

CeGaT Center for Human Genetics Tuebingen
Classification: Likely benign. Last evaluated: 2023-05-01. Review status: criteria provided, single submitter. Criteria: CeGaT Center For Human Genetics Tuebingen Variant Classification Criteria Version 2. Collection method: clinical testing. Allele origin: germline. Affected: yes. Observed: 2 variant alleles.
Comment: SYNE1: BP4

Illumina Laboratory Services, Illumina
Classification: Benign for Emery-Dreifuss muscular dystrophy 4, autosomal dominant. Last evaluated: 2018-01-13. Review status: criteria provided, single submitter. Criteria: ICSL Variant Classification Criteria 13 December 2019. Collection method: clinical testing. Allele origin: germline.
Comment: This variant was observed in the ICSL laboratory as part of a predisposition screen in an ostensibly healthy population. It had not been previously curated by ICSL or reported in the Human Gene Mutation Database (HGMD: prior to June 1st, 2018), and was therefore a candidate for classification through an automated scoring system. Utilizing variant allele frequency, disease prevalence and penetrance estimates, and inheritance mode, an automated score was calculated to assess if this variant is too frequent to cause the disease. Based on the score and internal cut-off values, a variant classified as benign is not then subjected to further curation. The score for this variant resulted in a classification of benign for this disease.

Illumina Laboratory Services, Illumina
Classification: Uncertain significance for Autosomal recessive ataxia, Beauce type. Last evaluated: 2018-01-13. Review status: criteria provided, single submitter. Criteria: ICSL Variant Classification Criteria 13 December 2019. Collection method: clinical testing. Allele origin: germline.

Eurofins Ntd Llc (ga)
Classification: Likely benign. Last evaluated: 2017-04-07. Review status: criteria provided, single submitter. Criteria: EGL Classification Definitions 2015. Collection method: clinical testing. Allele origin: germline. Observed: 4 variant alleles, 4 heterozygotes.